The following is an entry in ClinVar:

ClinVar aggregate classification (germline): Conflicting classifications of pathogenicity. Review status: criteria provided, conflicting classifications (1 of 4 stars). 5 submissions from 5 submitters: Uncertain significance (3); Likely benign (2). Last evaluated 2026-02-19.

Conditions:
Hereditary cancer-predisposing syndrome. Also called: Tumor predisposition; Hereditary Cancer Syndrome; Neoplastic Syndromes, Hereditary; Hereditary neoplastic syndrome. Identifiers: Orphanet 140162, MedGen C0027672, MeSH D009386, MONDO:0015356.
Hereditary breast ovarian cancer syndrome. Also called: Hereditary breast and ovarian cancer; Hereditary breast and ovarian cancer syndrome (HBOC); Hereditary breast and ovarian cancer syndrome; BRCA1- and BRCA2-Associated Hereditary Breast and Ovarian Cancer; Hereditary breast and/or ovarian cancer syndrome; Breast and ovarian cancer. Identifiers: Orphanet 145, MedGen C0677776, MeSH D061325, MONDO:0003582. Disease mechanism: loss of function.
Familial cancer of breast. Also called: hereditary breast carcinoma; Hereditary breast cancer; BREAST CANCER, FAMILIAL. Identifiers: Orphanet 227535, MedGen C0346153, MONDO:0016419, OMIM 114480. Disease mechanism: loss of function.

Allele frequency attached by ClinVar (database versions not stated): gnomAD exomes below 0.00001; ExAC 0.00001; gnomAD 0.00001; TOPMed 0.00002.
gnomAD v4.1: 2 of 1,614,022 alleles (0.00012%); highest among the groups gnomAD compares: East Asian, 0.0022%; no homozygotes.

Submissions (5):

Ambry Genetics
Classification: Likely benign for Hereditary cancer-predisposing syndrome. Last evaluated: 2026-02-19. Review status: criteria provided, single submitter. Criteria: Ambry Variant Classification Scheme 2023. Collection method: clinical testing. Allele origin: germline.

Labcorp Genetics (formerly Invitae), Labcorp
Classification: Uncertain significance for Hereditary breast ovarian cancer syndrome. Last evaluated: 2026-01-14. Review status: criteria provided, single submitter. Criteria: Invitae Variant Classification Sherloc (09022015). Collection method: clinical testing. Allele origin: germline.
Comment: This sequence change replaces phenylalanine, which is neutral and non-polar, with cysteine, which is neutral and slightly polar, at codon 3328 of the BRCA2 protein (p.Phe3328Cys). This variant is present in population databases (rs770826575, gnomAD 0.003%). This missense change has been observed in individual(s) with non-medullary thyroid cancer (PMID: 26530882). ClinVar contains an entry for this variant (Variation ID: 491395). Invitae Evidence Modeling of protein sequence and biophysical properties (such as structural, functional, and spatial information, amino acid conservation, physicochemical variation, residue mobility, and thermodynamic stability) indicates that this missense variant is not expected to disrupt BRCA2 protein function with a negative predictive value of 95%. In summary, the available evidence is currently insufficient to determine the role of this variant in disease. Therefore, it has been classified as a Variant of Uncertain Significance.

MGZ Medical Genetics Center
Classification: Likely benign for Familial cancer of breast. Last evaluated: 2024-02-09. Review status: criteria provided, single submitter. Criteria: CSpec BRCA1/2ACMG Rules Specifications V1.1.0. Collection method: clinical testing. Allele origin: germline. Affected: yes.
Comment: ACMG codes applied following ENIGMA VCEP rules: BP1_STR, PM2_SUP

Blueprint Genetics
Classification: Uncertain significance. Last evaluated: 2022-07-06. Review status: criteria provided, single submitter. Criteria: ACMG Guidelines, 2015. Collection method: clinical testing. Allele origin: germline.

Color Diagnostics, LLC DBA Color Health
Classification: Uncertain significance for Hereditary cancer-predisposing syndrome. Last evaluated: 2020-09-29. Review status: criteria provided, single submitter. Criteria: ACMG Guidelines, 2015. Collection method: clinical testing. Allele origin: germline.
Comment: This missense variant replaces phenylalanine with cysteine at codon 3328 of the BRCA2 protein. Computational prediction suggests that this variant may not impact protein structure and function (internally defined REVEL score threshold <= 0.5, PMID: 27666373). To our knowledge, functional studies have not been reported for this variant. This variant has been reported in an individual affected with thyroid cancer (PMID: 26530882). This variant has also been identified in 1/250720 chromosomes in the general population by the Genome Aggregation Database (gnomAD). The available evidence is insufficient to determine the role of this variant in disease conclusively. Therefore, this variant is classified as a Variant of Uncertain Significance.

Literature cited by the submitters: PubMed 26530882 (cited by Labcorp Genetics (formerly Invitae), Labcorp).

NM_000059.4(BRCA2):c.9983T>G (p.Phe3328Cys)

Gene: BRCA2 (BRCA2 DNA repair associated; plus strand). Cytogenetic location: 13q13.1.
Variant type: single nucleotide variant.
Coding change: c.9983T>G on transcript NM_000059.4 (MANE Select); coding-DNA position 9983, T replaced by G.
Protein change: p.Phe3328Cys; replaces phenylalanine 3328 with cysteine.
Molecular consequence: missense variant.
Genome position (GRCh38, 1-based): chr13:32,398,496, T>G. VCF-style: chr13-32398496-T-G. GRCh37 (hg19) VCF-style: chr13-32972633-T-G.
Other names: short protein forms F3328C.
Identifiers: ClinVar variation 491395 (VCV000491395.17), dbSNP rs770826575, ClinGen allele CA6941460.